The following is an entry in ClinVar:

NM_000338.3(SLC12A1):c.3113G>A (p.Arg1038Gln)

Gene: SLC12A1 (solute carrier family 12 member 1; plus strand). Cytogenetic location: 15q21.1.
Variant type: single nucleotide variant.
Coding change: c.3113G>A on transcript NM_000338.3 (MANE Select); coding-DNA position 3113, G replaced by A.
Protein change: p.Arg1038Gln; replaces arginine 1038 with glutamine.
Molecular consequence: missense variant.
Genome position (GRCh38, 1-based): chr15:48,301,331, G>A. VCF-style: chr15-48301331-G-A. GRCh37 (hg19) VCF-style: chr15-48593528-G-A.
Other names: c.3113G>A, p.Arg1038Gln (NM_001184832.2); short protein forms R1038Q.
Identifiers: ClinVar variation 316281 (VCV000316281.14), dbSNP rs141652885, ClinGen allele CA7547593.

ClinVar aggregate classification (germline): Uncertain significance. Review status: criteria provided, multiple submitters, no conflicts (2 of 4 stars). 5 submissions from 5 submitters: Uncertain significance (5). Last evaluated 2024-10-17.

Conditions:
Inborn genetic diseases. Identifiers: MedGen C0950123, MeSH D030342.
Bartter disease type 1. Also called: HYPERPROSTAGLANDIN E SYNDROME 1; HYPOKALEMIC ALKALOSIS WITH HYPERCALCIURIA 1, ANTENATAL; Bartter syndrome, type 1, antenatal; Bartter Syndrome type 1. Identifiers: Orphanet 112, Orphanet 620217, MedGen C1866495, MONDO:0100344, OMIM 601678, MONDO:0011127.

Allele frequency attached by ClinVar (database versions not stated): gnomAD 0.00007 and 0.00008; gnomAD exomes 0.00012; TOPMed 0.00014; ESP Exome Variant Server 0.00015; 1000 Genomes Project 30x 0.00016; 1000 Genomes Project 0.00020; ExAC 0.00023.
gnomAD v4.1: 104 of 1,601,214 alleles (0.0065%); highest among the groups gnomAD compares: Middle Eastern, 0.099%; no homozygotes.

Submissions (5):

Labcorp Genetics (formerly Invitae), Labcorp
Classification: Uncertain significance. Last evaluated: 2024-10-17. Review status: criteria provided, single submitter. Criteria: Invitae Variant Classification Sherloc (09022015). Collection method: clinical testing. Allele origin: germline.
Comment: This sequence change replaces arginine, which is basic and polar, with glutamine, which is neutral and polar, at codon 1038 of the SLC12A1 protein (p.Arg1038Gln). This variant is present in population databases (rs141652885, gnomAD 0.03%). This variant has not been reported in the literature in individuals affected with SLC12A1-related conditions. ClinVar contains an entry for this variant (Variation ID: 316281). Invitae Evidence Modeling of protein sequence and biophysical properties (such as structural, functional, and spatial information, amino acid conservation, physicochemical variation, residue mobility, and thermodynamic stability) indicates that this missense variant is expected to disrupt SLC12A1 protein function with a positive predictive value of 80%. In summary, the available evidence is currently insufficient to determine the role of this variant in disease. Therefore, it has been classified as a Variant of Uncertain Significance.

Fulgent Genetics
Classification: Uncertain significance for Bartter disease type 1. Last evaluated: 2023-12-28. Review status: criteria provided, single submitter. Criteria: ACMG Guidelines, 2015. Collection method: clinical testing. Allele origin: germline.

Ambry Genetics
Classification: Uncertain significance for Inborn genetic diseases. Last evaluated: 2021-01-05. Review status: criteria provided, single submitter. Criteria: Ambry Variant Classification Scheme 2023. Collection method: clinical testing. Allele origin: germline.
Comment: The c.3113G>A (p.R1038Q) alteration is located in exon 26 (coding exon 25) of the SLC12A1 gene. This alteration results from a G to A substitution at nucleotide position 3113, causing the arginine (R) at amino acid position 1038 to be replaced by a glutamine (Q). The p.R1038Q alteration is predicted to be deleterious by in silico analysis. Based on insufficient or conflicting evidence, the clinical significance of this alteration remains unclear.

GeneDx
Classification: Uncertain significance. Last evaluated: 2019-08-30. Review status: criteria provided, single submitter. Criteria: GeneDx Variant Classification Process June 2021. Collection method: clinical testing. Allele origin: germline. Affected: yes.
Comment: In silico analysis, which includes protein predictors and evolutionary conservation, supports a deleterious effect; Has not been previously published as pathogenic or benign to our knowledge

Illumina Laboratory Services, Illumina
Classification: Uncertain significance for Bartter disease type 1. Last evaluated: 2018-01-13. Review status: criteria provided, single submitter. Criteria: ICSL Variant Classification Criteria 13 December 2019. Collection method: clinical testing. Allele origin: germline.